The following is an entry in ClinVar:

ClinVar aggregate classification (germline): Likely pathogenic (1 of 4 stars; one submission).

Conditions:
Atrophia bulborum hereditaria (ND). Also called: EPISKOPI BLINDNESS; Norrie Disease (Classic Norrie Disease Ocular Phenotype with or without Extraocular Findings; Pseudoglioma; Norrie syndrome; Norrie-Warburg syndrome; Anderson-Warburg syndrome. Identifiers: Orphanet 649, MedGen C0266526, MONDO:0010691, OMIM 310600, HP:6000262.

Submission:

Neuberg Centre For Genomic Medicine, NCGM
Classification: Likely pathogenic for Atrophia bulborum hereditaria. Review status: criteria provided, single submitter. Criteria: ACMG Guidelines, 2015. Collection method: clinical testing. Allele origin: germline. Inheritance: X-linked recessive inheritance. Affected: yes.
Comment: he missense c.181C>A (p.Leu61Ile) variant in the NDP gene which is located in a mutational hot spot has been reported previously in a heterozygous state in individual(s) affected with Norrie disease and Familial Exudative Vitreoretinopathy (Li et al., 2018; Wu et al., 2007). The variant is absent in gnomAD Exomes. The amino acid Leucine at position 61 is changed to a Isoleucine changing protein sequence and it might alter its composition and physico-chemical properties. Multiple lines of computational evidence (Polyphen - Damaging, SIFT - Damaging and MutationTaster - Disease causing) predict a damaging effect on protein structure and function for this variant. The amino acid change p.Leu61Ile in NDP is predicted as conserved by GERP++ and PhyloP across 100 vertebrates. For these reasons, this variant has been classified as Likely Pathogenic.

NM_000266.4(NDP):c.181C>A (p.Leu61Ile)

Genes: NDP (norrin cystine knot growth factor NDP; minus strand), NDP-AS1 (NDP antisense RNA 1; plus strand). Cytogenetic location: Xp11.3.
Variant type: single nucleotide variant.
Coding change: c.181C>A on transcript NM_000266.4 (MANE Select); coding-DNA position 181, C replaced by A.
Protein change: p.Leu61Ile; replaces leucine 61 with isoleucine.
Molecular consequence: missense variant. On other transcripts: non-coding transcript variant (1).
Genome position (GRCh38, 1-based): chrX:43,950,020, G>T on the plus strand (C>A on the coding strand, the complement: NDP is on the minus strand). VCF-style: chrX-43950020-G-T. GRCh37 (hg19) VCF-style: chrX-43809266-G-T.
Other names: short protein forms L61I.
Identifiers: ClinVar variation 3242164 (VCV003242164.1), dbSNP rs104894880.